The following is an entry in ClinVar:

ClinVar aggregate classification (germline): Uncertain significance (1 of 4 stars; one submission).

Conditions:
SLC35A2-congenital disorder of glycosylation. Also called: CONGENITAL DISORDER OF GLYCOSYLATION, TYPE IIm; CDG IIm; CONGENITAL DISORDER OF GLYCOSYLATION, TYPE IIm, SOMATIC MOSAIC; DEVELOPMENTAL AND EPILEPTIC ENCEPHALOPATHY 22; EPILEPTIC ENCEPHALOPATHY, EARLY INFANTILE, 22; SLC35A2-CDG. Identifiers: Orphanet 356961, MedGen C3806688, MONDO:0010478, OMIM 300896.

Submission:

Labcorp Genetics (formerly Invitae), Labcorp
Classification: Uncertain significance for SLC35A2-congenital disorder of glycosylation. Last evaluated: 2017-09-28. Review status: criteria provided, single submitter. Criteria: Invitae Variant Classification Sherloc (09022015). Collection method: clinical testing. Allele origin: germline.
Comment: A gross duplication of the genomic region encompassing the full coding sequence of the SLC35A2 gene has been identified. The boundaries of this event are unknown as the duplication extends beyond the assayed region for this gene and therefore may encompass additional genes. As the precise location of this duplication is unknown, it may be in tandem or it may be located elsewhere in the genome. A duplication of Â¬â€ the entire SLC35A2 coding sequence has not been reported in the literature in individuals with a SLC35A2-related disease. Experimental studies are not available for this variant, and the functional significance of this duplication is currently unknown. In summary, the genomic location of this duplication is unknown and the impact of this variant on SLC35A2 protein function has not been established. Therefore, it has been classified as a Variant of Uncertain Significance.

NC_000023.10:g.(?_48755773)_(48935774_?)dup

Genes: CCDC120 (coiled-coil domain containing 120; plus strand), GRIPAP1 (GRIP1 associated protein 1; minus strand), KCND1 (potassium voltage-gated channel subfamily D member 1; minus strand), OTUD5 (OTU deubiquitinase 5; minus strand), PIM2 (Pim-2 proto-oncogene, serine/threonine kinase; minus strand) and 5 more. Cytogenetic location: Xp11.23.
Variant type: Duplication.
Identifiers: ClinVar variation 541111 (VCV000541111.1).